The following is an entry in ClinVar:

NM_024426.6(WT1):c.1129_1150dup (p.Val384fs)

Gene: WT1 (WT1 transcription factor; minus strand). Cytogenetic location: 11p13.
Variant type: Duplication.
Coding change: c.1129_1150dup on transcript NM_024426.6 (MANE Select); coding-DNA positions 1129 to 1150, 22 bases duplicated (CCTGGAGTAGCCCCGACTCTTG).
Protein change: p.Val384fs; shifts the reading frame from valine 384.
Molecular consequence: frameshift variant. On other transcripts: 5 prime UTR variant (1), non-coding transcript variant (2).
Genome position (GRCh38, 1-based): chr11:32,396,371-32,396,392, CAAGAGTCGGGGCTACTCCAGG duplicated on the plus strand (CCTGGAGTAGCCCCGACTCTTG on the coding strand, the reverse complement: WT1 is on the minus strand); duplicating any 22 consecutive bases within chr11:32,396,371-32,396,394 gives the same sequence; the c. name uses the placement nearest the transcript's 3' end. VCF-style (leftmost placement, unchanged base first): chr11-32396370-A-ACAAGAGTCGGGGCTACTCCAGG. GRCh37 (hg19) VCF-style: chr11-32417916-A-ACAAGAGTCGGGGCTACTCCAGG.
Other names: c.1078_1099dup, p.Val367fs (NM_000378.6, NM_001407045.1, NM_001407048.1 and 1 more transcripts); c.478_499dup, p.Val167fs (NM_001198551.2); c.427_448dup, p.Val150fs (NM_001198552.2); c.-60_-39dup (NM_001367854.1); c.1123_1144dup, p.Val382fs (NM_001407044.1); c.1129_1150dup, p.Val384fs (NM_001407046.1, NM_024424.5); c.1006_1027dup, p.Val343fs (NM_001407047.1); c.955_976dup, p.Val326fs (NM_001407050.1); and 3 more; short protein forms V130fs, V150fs, V167fs, V294fs, V311fs, V326fs, V343fs, V367fs.
Identifiers: ClinVar variation 5040591 (VCV005040591.1).
Genomic context (GRCh38, chr11:32,396,370, plus strand): 5'-TTGCAGCCTGGGTAAGCACACATGAAGGGGCGTTTCTCACTGGTCTCAGATGCCGACCGT[A>ACAAGAGTCGGGGCTACTCCAGG]CAAGAGTCGGGGCTACTCCAGGCACACGTCGCACATCCTGCAGGCAGAGAGTAAGAGGAA-3'

ClinVar aggregate classification (germline): Pathogenic (1 of 4 stars; one submission).

Submission:

CeGaT Center for Human Genetics Tuebingen
Classification: Pathogenic. Last evaluated: 2026-08-01. Review status: criteria provided, single submitter. Criteria: CeGaT Center For Human Genetics Tuebingen Variant Classification Criteria Version 2. Collection method: clinical testing. Allele origin: germline. Affected: yes. Observed: 1 variant allele.
Comment: WT1: PVS1, PM2